The following is an entry in ClinVar:

ClinVar aggregate classification (germline): Uncertain significance (1 of 4 stars; one submission).

Submission:

Labcorp Genetics (formerly Invitae), Labcorp
Classification: Uncertain significance. Last evaluated: 2022-07-04. Review status: criteria provided, single submitter. Criteria: Invitae Variant Classification Sherloc (09022015). Collection method: clinical testing. Allele origin: germline.
Comment: In summary, the available evidence is currently insufficient to determine the role of this variant in disease. Therefore, it has been classified as a Variant of Uncertain Significance. Algorithms developed to predict the effect of missense changes on protein structure and function are either unavailable or do not agree on the potential impact of this missense change (SIFT: "Not Available"; PolyPhen-2: "Probably Damaging"; Align-GVGD: "Not Available"). This variant has not been reported in the literature in individuals affected with UNC80-related conditions. This variant is not present in population databases (gnomAD no frequency). This sequence change replaces valine, which is neutral and non-polar, with methionine, which is neutral and non-polar, at codon 1984 of the UNC80 protein (p.Val1984Met).

NM_001371986.1(UNC80):c.6148G>A (p.Val2050Met)

Gene: UNC80 (unc-80 subunit of NALCN channel complex; plus strand). Cytogenetic location: 2q34.
Variant type: single nucleotide variant.
Coding change: c.6148G>A on transcript NM_001371986.1 (MANE Select); coding-DNA position 6148, G replaced by A.
Protein change: p.Val2050Met; replaces valine 2050 with methionine.
Molecular consequence: missense variant.
Genome position (GRCh38, 1-based): chr2:209,933,975, G>A. VCF-style: chr2-209933975-G-A. GRCh37 (hg19) VCF-style: chr2-210798699-G-A.
Other names: c.5950G>A, p.Val1984Met (NM_032504.2); c.5935G>A, p.Val1979Met (NM_182587.4); short protein forms V1984M, V1979M, V2050M.
Identifiers: ClinVar variation 2047134 (VCV002047134.4), dbSNP rs61749490, ClinGen allele CA350769272.